The following is an entry in ClinVar:

NM_014319.5(LEMD3):c.337T>G (p.Ser113Ala)

Genes: LEMD3 (LEM domain containing 3; plus strand), LOC130008224 (ATAC-STARR-seq lymphoblastoid silent region 4630; plus strand). Cytogenetic location: 12q14.3.
Variant type: single nucleotide variant.
Coding change: c.337T>G on transcript NM_014319.5 (MANE Select); coding-DNA position 337, T replaced by G.
Protein change: p.Ser113Ala; replaces serine 113 with alanine.
Molecular consequence: missense variant.
Genome position (GRCh38, 1-based): chr12:65,169,933, T>G. VCF-style: chr12-65169933-T-G. GRCh37 (hg19) VCF-style: chr12-65563713-T-G.
Other names: c.337T>G, p.Ser113Ala (NM_001167614.2); short protein forms S113A.
Identifiers: ClinVar variation 1436354 (VCV001436354.6), dbSNP rs1380006793, ClinGen allele CA385672676.

ClinVar aggregate classification (germline): Uncertain significance (1 of 4 stars; one submission).

Allele frequency attached by ClinVar (database versions not stated): gnomAD exomes below 0.00001; gnomAD 0.00001.

Submission:

Labcorp Genetics (formerly Invitae), Labcorp
Classification: Uncertain significance. Last evaluated: 2025-11-19. Review status: criteria provided, single submitter. Criteria: Invitae Variant Classification Sherloc (09022015). Collection method: clinical testing. Allele origin: germline.
Comment: This sequence change replaces serine, which is neutral and polar, with alanine, which is neutral and non-polar, at codon 113 of the LEMD3 protein (p.Ser113Ala). This variant is present in population databases (no rsID available, gnomAD 0.007%). This variant has not been reported in the literature in individuals affected with LEMD3-related conditions. ClinVar contains an entry for this variant (Variation ID: 1436354). An algorithm developed to predict the effect of missense changes on protein structure and function outputs the following: PolyPhen-2: "Benign". The alanine amino acid residue is found in multiple mammalian species, which suggests that this missense change does not adversely affect protein function. In summary, the available evidence is currently insufficient to determine the role of this variant in disease. Therefore, it has been classified as a Variant of Uncertain Significance.